The following is an entry in ClinVar:

NM_000264.5(PTCH1):c.4048C>T (p.Arg1350Trp)

Gene: PTCH1 (patched 1; minus strand). Cytogenetic location: 9q22.32.
Variant type: single nucleotide variant.
Coding change: c.4048C>T on transcript NM_000264.5 (MANE Select); coding-DNA position 4048, C replaced by T.
Protein change: p.Arg1350Trp; replaces arginine 1350 with tryptophan.
Molecular consequence: missense variant. On other transcripts: non-coding transcript variant (1).
Genome position (GRCh38, 1-based): chr9:95,447,208, G>A on the plus strand (C>T on the coding strand, the complement: PTCH1 is on the minus strand). VCF-style: chr9-95447208-G-A. GRCh37 (hg19) VCF-style: chr9-98209490-G-A.
Other names: c.3850C>T, p.Arg1284Trp (NM_001083602.3); c.4045C>T, p.Arg1349Trp (NM_001083603.3); c.3595C>T, p.Arg1199Trp (NM_001083604.3, NM_001083605.3, NM_001083606.3 and 1 more transcripts); c.3892C>T, p.Arg1298Trp (NM_001354918.2); short protein forms R1284W, R1350W, R1349W, R1199W, R1298W.
Identifiers: ClinVar variation 215461 (VCV000215461.66), dbSNP rs140417636, ClinGen allele CA337469.
Genomic context (GRCh38, chr9:95,447,208, plus strand): 5'-TGGTGATGGGCTGGCAGTAGCCGGGCACGGAGCTGCCCATGGCAGTGGACGCTGGGTTCC[G>A]AGGGTTGTGAGAACGGGCCCCGCGAGGGCCCCAGCGGGCCCTATTGCTAGGGCCAGAATG-3'
Protein context (NP_000255.2, residues 1340-1360): GPRGARSHNP[Arg1350Trp]NPASTAMGSS

ClinVar aggregate classification (germline): Benign/Likely benign. Review status: criteria provided, multiple submitters, no conflicts (2 of 4 stars). 16 submissions from 15 submitters: Benign (5); Likely benign (8). 3 of the submissions do not count toward it. Last evaluated 2026-02-04.

Conditions:
Hereditary cancer-predisposing syndrome. Also called: Tumor predisposition; Neoplastic Syndromes, Hereditary; Hereditary Cancer Syndrome; Hereditary neoplastic syndrome. Identifiers: Orphanet 140162, MedGen C0027672, MeSH D009386, MONDO:0015356.
Ovarian cancer. Also called: OVARIAN CANCER, SOMATIC. Identifiers: Orphanet 213500, MedGen C1140680, MONDO:0008170, OMIM 167000.
Holoprosencephaly 7 (HPE7). Identifiers: Orphanet 2162, MedGen C1835820, MONDO:0012562, OMIM 610828.
Basal cell carcinoma, susceptibility to, 1. Also called: BCC1. Identifiers: MedGen C2751544, MONDO:0011556, OMIM 605462.
Gorlin syndrome. Also called: Basal cell nevus syndrome; Nevoid Basal Cell Carcinoma Syndrome. Identifiers: Orphanet 377, MedGen C0004779, MONDO:0007187.

Allele frequency attached by ClinVar (database versions not stated): 1000 Genomes Project 30x 0.00016; 1000 Genomes Project 0.00020; ESP Exome Variant Server 0.00048; TOPMed 0.00049; gnomAD 0.00080 and 0.00086; ExAC 0.00102.
gnomAD v4.1: 1,513 of 1,612,978 alleles (0.094%); highest among the groups gnomAD compares: Non-Finnish European, 0.11%; 3 homozygotes.

Submissions (16):

Labcorp Genetics (formerly Invitae), Labcorp
Classification: Benign for Gorlin syndrome. Last evaluated: 2026-02-04. Review status: criteria provided, single submitter. Criteria: Invitae Variant Classification Sherloc (09022015). Collection method: clinical testing. Allele origin: germline.

CeGaT Center for Human Genetics Tuebingen
Classification: Likely benign. Last evaluated: 2025-08-01. Review status: criteria provided, single submitter. Criteria: CeGaT Center For Human Genetics Tuebingen Variant Classification Criteria Version 2. Collection method: clinical testing. Allele origin: germline. Affected: yes. Observed: 8 variant alleles.
Comment: PTCH1: BS1

Center for Genomic Medicine, Rigshospitalet, Copenhagen University Hospital
Classification: Likely benign. Last evaluated: 2025-03-04. Review status: criteria provided, single submitter. Criteria: ACMG Guidelines, 2015. Collection method: clinical testing. Allele origin: germline.

Laboratory of Genetics, Children's Clinical University Hospital Latvia
Classification: Benign. Last evaluated: 2025-02-16. Review status: criteria provided, single submitter. Criteria: ACMG Guidelines, 2015. Collection method: clinical testing. Allele origin: germline. Affected: yes.

Blueprint Genetics
Classification: Likely benign. Last evaluated: 2024-11-11. Review status: criteria provided, single submitter. Criteria: ACMG Guidelines, 2015. Collection method: clinical testing. Allele origin: germline.

GeneDx
Classification: Likely benign. Last evaluated: 2023-10-03. Review status: criteria provided, single submitter. Criteria: GeneDx Variant Classification Process June 2021. Collection method: clinical testing. Allele origin: germline. Affected: yes.
Comment: See Variant Classification Assertion Criteria.

Laboratory of Molecular Epidemiology of Birth Defects, West China Second University Hospital, Sichuan University
Classification: Benign for Ovarian cancer. Last evaluated: 2022-01-01. Review status: criteria provided, single submitter. Criteria: ACMG Guidelines, 2015. Collection method: clinical testing. Allele origin: germline. Affected: yes.

Ambry Genetics
Classification: Likely benign for Hereditary cancer-predisposing syndrome. Last evaluated: 2021-11-29. Review status: criteria provided, single submitter. Criteria: Ambry Variant Classification Scheme 2023. Collection method: clinical testing. Allele origin: germline.

Fulgent Genetics
Classification: Likely benign for Basal cell nevus syndrome 1; Basal cell carcinoma, susceptibility to, 1; Holoprosencephaly 7. Last evaluated: 2021-10-27. Review status: criteria provided, single submitter. Criteria: ACMG Guidelines, 2015. Collection method: clinical testing. Allele origin: unknown.

Sema4
Classification: Benign for Hereditary cancer-predisposing syndrome. Last evaluated: 2021-07-14. Review status: criteria provided, single submitter. Criteria: Sema4 Curation Guidelines. Collection method: curation. Allele origin: germline.

Eurofins Ntd Llc (ga)
Classification: Likely benign. Last evaluated: 2018-08-20. Review status: criteria provided, single submitter. Criteria: EGL ClinVar v180209 classification definitions. Collection method: clinical testing. Allele origin: germline. Observed: 1 variant allele, 1 heterozygote.

Illumina Laboratory Services, Illumina
Classification: Likely benign for Holoprosencephaly 7. Last evaluated: 2018-01-13. Review status: criteria provided, single submitter. Criteria: ICSL Variant Classification Criteria 13 December 2019. Collection method: clinical testing. Allele origin: germline.
Comment: This variant was observed in the ICSL laboratory as part of a predisposition screen in an ostensibly healthy population. It had not been previously curated by ICSL or reported in the Human Gene Mutation Database (HGMD: prior to June 1st, 2018), and was therefore a candidate for classification through an automated scoring system. Utilizing variant allele frequency, disease prevalence and penetrance estimates, and inheritance mode, an automated score was calculated to assess if this variant is too frequent to cause the disease. Based on the score and internal cut-off values, a variant classified as likely benign is not then subjected to further curation. The score for this variant resulted in a classification of likely benign for this disease.

Illumina Laboratory Services, Illumina
Classification: Benign for Basal cell nevus syndrome 1. Last evaluated: 2018-01-13. Review status: criteria provided, single submitter. Criteria: ICSL Variant Classification Criteria 13 December 2019. Collection method: clinical testing. Allele origin: germline.
Comment: This variant was observed in the ICSL laboratory as part of a predisposition screen in an ostensibly healthy population. It had not been previously curated by ICSL or reported in the Human Gene Mutation Database (HGMD: prior to June 1st, 2018), and was therefore a candidate for classification through an automated scoring system. Utilizing variant allele frequency, disease prevalence and penetrance estimates, and inheritance mode, an automated score was calculated to assess if this variant is too frequent to cause the disease. Based on the score and internal cut-off values, a variant classified as benign is not then subjected to further curation. The score for this variant resulted in a classification of benign for this disease.

Diagnostic Laboratory, Department of Genetics, University Medical Center Groningen
Classification: Likely benign. Review status: no assertion criteria provided. Collection method: clinical testing. Allele origin: germline. Affected: yes. Study: VKGL Data-share Consensus. Not counted in ClinVar's aggregate classification.

Genome Diagnostics Laboratory, Amsterdam University Medical Center
Classification: Likely benign. Review status: no assertion criteria provided. Collection method: clinical testing. Allele origin: germline. Affected: yes. Study: VKGL Data-share Consensus. Not counted in ClinVar's aggregate classification.

Laboratory of Diagnostic Genome Analysis, Leiden University Medical Center (LUMC)
Classification: Likely benign. Review status: no assertion criteria provided. Collection method: clinical testing. Allele origin: germline. Affected: yes. Study: VKGL Data-share Consensus. Not counted in ClinVar's aggregate classification.